The following is an entry in ClinVar:

NM_144997.7(FLCN):c.262C>G (p.Leu88Val)

Gene: FLCN (folliculin; minus strand). Cytogenetic location: 17p11.2.
Variant type: single nucleotide variant.
Coding change: c.262C>G on transcript NM_144997.7 (MANE Select); coding-DNA position 262, C replaced by G.
Protein change: p.Leu88Val; replaces leucine 88 with valine.
Molecular consequence: missense variant.
Genome position (GRCh38, 1-based): chr17:17,226,310, G>C on the plus strand (C>G on the coding strand, the complement: FLCN is on the minus strand). VCF-style: chr17-17226310-G-C. GRCh37 (hg19) VCF-style: chr17-17129624-G-C.
Other names: c.262C>G, p.Leu88Val (NM_001353229.2, NM_001353230.2, NM_001353231.2 and 1 more transcripts); short protein forms L88V.
Identifiers: ClinVar variation 945507 (VCV000945507.9), dbSNP rs2047248621, ClinGen allele CA398534973.

ClinVar aggregate classification (germline): Uncertain significance. Review status: criteria provided, multiple submitters, no conflicts (2 of 4 stars). 2 submissions from 2 submitters: Uncertain significance (2). Last evaluated 2025-11-20.

Conditions:
Hereditary cancer-predisposing syndrome. Also called: Neoplastic Syndromes, Hereditary; Hereditary neoplastic syndrome; Hereditary Cancer Syndrome; Tumor predisposition. Identifiers: Orphanet 140162, MedGen C0027672, MeSH D009386, MONDO:0015356.
Birt-Hogg-Dube syndrome. Also called: Birt Hogg Dubé syndrome. Identifiers: Orphanet 122, MedGen C0346010, MONDO:0800444.

gnomAD v4.1: 1 of 1,614,214 alleles (0.000062%); highest among the groups gnomAD compares: Non-Finnish European, 0.000085%; no homozygotes.

Submissions (2):

Ambry Genetics
Classification: Uncertain significance for Hereditary cancer-predisposing syndrome. Last evaluated: 2025-11-20. Review status: criteria provided, single submitter. Criteria: Ambry Variant Classification Scheme 2023. Collection method: clinical testing. Allele origin: germline.
Comment: The p.L88V variant (also known as c.262C>G), located in coding exon 2 of the FLCN gene, results from a C to G substitution at nucleotide position 262. The leucine at codon 88 is replaced by valine, an amino acid with highly similar properties. This amino acid position is conserved. In addition, this alteration is predicted to be deleterious by in silico analysis. Since supporting evidence is limited at this time, the clinical significance of this alteration remains unclear.

Labcorp Genetics (formerly Invitae), Labcorp
Classification: Uncertain significance for Birt-Hogg-Dube syndrome. Last evaluated: 2022-05-03. Review status: criteria provided, single submitter. Criteria: Invitae Variant Classification Sherloc (09022015). Collection method: clinical testing. Allele origin: germline.
Comment: In summary, the available evidence is currently insufficient to determine the role of this variant in disease. Therefore, it has been classified as a Variant of Uncertain Significance. Algorithms developed to predict the effect of missense changes on protein structure and function (SIFT, PolyPhen-2, Align-GVGD) all suggest that this variant is likely to be tolerated. ClinVar contains an entry for this variant (Variation ID: 945507). This variant has not been reported in the literature in individuals affected with FLCN-related conditions. This variant is not present in population databases (gnomAD no frequency). This sequence change replaces leucine, which is neutral and non-polar, with valine, which is neutral and non-polar, at codon 88 of the FLCN protein (p.Leu88Val).